The following is an entry in ClinVar:

ClinVar aggregate classification (germline): Uncertain significance. Review status: criteria provided, multiple submitters, no conflicts (2 of 4 stars). 2 submissions from 2 submitters: Uncertain significance (2). Last evaluated 2025-08-29.

Allele frequency attached by ClinVar (database versions not stated): gnomAD exomes below 0.00001.

Submissions (2):

Ambry Genetics
Classification: Uncertain significance. Last evaluated: 2025-08-29. Review status: criteria provided, single submitter. Criteria: Ambry Variant Classification Scheme 2023. Collection method: clinical testing. Allele origin: germline.

Labcorp Genetics (formerly Invitae), Labcorp
Classification: Uncertain significance. Last evaluated: 2022-12-03. Review status: criteria provided, single submitter. Criteria: Invitae Variant Classification Sherloc (09022015). Collection method: clinical testing. Allele origin: germline.
Comment: This variant is not present in population databases (gnomAD no frequency). This variant has not been reported in the literature in individuals affected with SUCO-related conditions. Algorithms developed to predict the effect of missense changes on protein structure and function are either unavailable or do not agree on the potential impact of this missense change (SIFT: "Deleterious"; PolyPhen-2: "Probably Damaging"; Align-GVGD: "Class C0"). In summary, the available evidence is currently insufficient to determine the role of this variant in disease. Therefore, it has been classified as a Variant of Uncertain Significance. This sequence change replaces glutamine, which is neutral and polar, with histidine, which is basic and polar, at codon 1212 of the SUCO protein (p.Gln1212His).

NM_014283.5(SUCO):c.3636A>T (p.Gln1212His)

Gene: SUCO (SUN domain containing ossification factor; plus strand). Cytogenetic location: 1q24.3.
Variant type: single nucleotide variant.
Coding change: c.3636A>T on transcript NM_014283.5 (MANE Select); coding-DNA position 3636, A replaced by T.
Protein change: p.Gln1212His; replaces glutamine 1212 with histidine.
Molecular consequence: missense variant.
Genome position (GRCh38, 1-based): chr1:172,610,130, A>T. VCF-style: chr1-172610130-A-T. GRCh37 (hg19) VCF-style: chr1-172579270-A-T.
Other names: c.3636A>T (NM_014283.3); c.2523A>T, p.Gln841His (NM_001282750.2); c.1947A>T, p.Gln649His (NM_001282751.2); c.4089A>T, p.Gln1363His (NM_016227.4); short protein forms Q1212H, Q1363H, Q649H, Q841H.
Identifiers: ClinVar variation 2808500 (VCV002808500.4), dbSNP rs2527517844, ClinGen allele CA343753826.